The following is an entry in ClinVar:

NM_001134407.3(GRIN2A):c.*5740A>C

Gene: GRIN2A (glutamate ionotropic receptor NMDA type subunit 2A; minus strand). Cytogenetic location: 16p13.2.
Variant type: single nucleotide variant.
Coding change: c.*5740A>C on transcript NM_001134407.3 (MANE Select); 5740 bases downstream of the stop codon, A replaced by C.
Molecular consequence: 3 prime UTR variant.
Genome position (GRCh38, 1-based): chr16:9,757,409, T>G on the plus strand (A>C on the coding strand, the complement: GRIN2A is on the minus strand). VCF-style: chr16-9757409-T-G. GRCh37 (hg19) VCF-style: chr16-9851266-T-G.
Other names: c.*5740A>C (NM_000833.5); c.*5946A>C (NM_001134408.2).
Identifiers: ClinVar variation 321525 (VCV000321525.6), dbSNP rs144545983, ClinGen allele CA10644743.

ClinVar aggregate classification (germline): Benign. Review status: criteria provided, multiple submitters, no conflicts (2 of 4 stars). 2 submissions from 2 submitters: Benign (2). Last evaluated 2018-01-13.

Conditions:
Landau-Kleffner syndrome (FESD). Also called: EPILEPSY, FOCAL, WITH SPEECH DISORDER AND WITH OR WITHOUT MENTAL RETARDATION; APHASIA, ACQUIRED, WITH EPILEPSY. Identifiers: Orphanet 1945, Orphanet 725, Orphanet 98818, MedGen C0282512, MONDO:0009509, OMIM 245570.

Allele frequency attached by ClinVar (database versions not stated): gnomAD 0.00376 and 0.00382; 1000 Genomes Project 30x 0.00109; 1000 Genomes Project 0.00100; TOPMed 0.00251; gnomAD exomes 0.00300.
gnomAD v4.1: 808 of 230,442 alleles (0.35%); highest among the groups gnomAD compares: Middle Eastern, 2%; 9 homozygotes.

Submissions (2):

Illumina Laboratory Services, Illumina
Classification: Benign for Landau-Kleffner syndrome. Last evaluated: 2018-01-13. Review status: criteria provided, single submitter. Criteria: ICSL Variant Classification Criteria 13 December 2019. Collection method: clinical testing. Allele origin: germline.
Comment: This variant was observed in the ICSL laboratory as part of a predisposition screen in an ostensibly healthy population. It had not been previously curated by ICSL or reported in the Human Gene Mutation Database (HGMD: prior to June 1st, 2018), and was therefore a candidate for classification through an automated scoring system. Utilizing variant allele frequency, disease prevalence and penetrance estimates, and inheritance mode, an automated score was calculated to assess if this variant is too frequent to cause the disease. Based on the score and internal cut-off values, a variant classified as benign is not then subjected to further curation. The score for this variant resulted in a classification of benign for this disease.

Breakthrough Genomics
Classification: Benign. Review status: criteria provided, single submitter. Criteria: ACMG Guidelines, 2015. Collection method: not provided. Allele origin: germline. Inheritance: Autosomal dominant inheritance. Affected: yes.